The following is an entry in ClinVar:

ClinVar aggregate classification (germline): Pathogenic (1 of 4 stars; one submission).

Conditions:
Retinoblastoma (RB1). Also called: RETINOBLASTOMA, SOMATIC. Identifiers: Orphanet 790, MedGen C0035335, MeSH D012175, MONDO:0008380, OMIM 180200, HP:0009919. Disease mechanism: loss of function. Inheritance: Both sporadic and heritable forms are tested..

Submission:

Genetic Diagnostic Laboratory, University of Pennsylvania School of Medicine
Classification: Pathogenic for Retinoblastoma. Last evaluated: 2024-05-20. Review status: criteria provided, single submitter. Criteria: ACMG Guidelines, 2015. Collection method: clinical testing. Allele origin: germline. Affected: yes. Observed: 1 variant allele.
Comment: Case and Pedigree Information: BILATERAL CASES:1, UNILATERAL CASES:0, TOTAL CASES:1, PEDIGREES:1. ACMG Codes Applied:PVS1, PM2

NM_000321.3(RB1):c.828del (p.Leu277fs)

Gene: RB1 (RB transcriptional corepressor 1; plus strand). Cytogenetic location: 13q14.2.
Variant type: Deletion.
Coding change: c.828del on transcript NM_000321.3 (MANE Select); coding-DNA position 828, one base deleted (T; older notation c.828delT).
Protein change: p.Leu277fs; shifts the reading frame from leucine 277.
Molecular consequence: frameshift variant.
Genome position (GRCh38, 1-based): chr13:48,362,924, T deleted; the last of 2 consecutive T bases (chr13:48,362,923-48,362,924); deleting either gives the same sequence. VCF-style (leftmost placement, unchanged base first): chr13-48362922-GT-G. GRCh37 (hg19) VCF-style: chr13-48937058-GT-G.
Other names: c.828del, p.Leu277fs (NM_001407165.1, NM_001407166.1); short protein forms L277fs.
Identifiers: ClinVar variation 3236928 (VCV003236928.1), dbSNP rs2542182281.